The following is an entry in ClinVar:

ClinVar aggregate classification (germline): Benign. Review status: reviewed by expert panel (3 of 4 stars). 9 submissions from 8 submitters: Benign (1). 8 of the submissions do not count toward it. Last evaluated 2017-04-18.

Conditions:
Cardiovascular phenotype. Identifiers: MedGen CN230736.
PTPN11-related disorder. Also called: PTPN11-Related Disorders.
RASopathy. Also called: rasopathies; Noonan spectrum disorder. Identifiers: Orphanet 536391, MedGen C5555857, MONDO:0021060.
Metachondromatosis (METCDS). Identifiers: Orphanet 2499, MedGen C0410530, MONDO:0007979, OMIM 156250.
Juvenile myelomonocytic leukemia (JMML). Also called: LEUKEMIA, JUVENILE MYELOMONOCYTIC, SOMATIC. Identifiers: Orphanet 86834, MedGen C0349639, MONDO:0011908, OMIM 607785, HP:0012209.

Allele frequency attached by ClinVar (database versions not stated): gnomAD below 0.00001 and 0.00015; 1000 Genomes Project 0.00040; gnomAD exomes 0.00043; ExAC 0.00047; 1000 Genomes Project 30x 0.00062.
gnomAD v4.1: 350 of 1,614,096 alleles (0.022%); highest among the groups gnomAD compares: South Asian, 0.36%; 4 homozygotes.

Submissions (9):

ClinGen RASopathy Variant Curation Expert Panel
Classification: Benign for Noonan syndrome and Noonan-related syndrome. Last evaluated: 2017-04-18. Review status: reviewed by expert panel. Criteria: ClinGen RASopathy ACMG Specifications v1. Collection method: curation. Allele origin: germline. Inheritance: Autosomal dominant inheritance.
Comment: The filtering allele frequency of the c.1052G>A (p.Arg351Gln) variant in the PTPN11 gene is 0.263% (55/16488) of South Asian chromosomes by the Exome Aggregation Consortium, which is a high enough frequency to be classified as benign based on thresholds defined by the ClinGen RASopathy Expert Panel (BA1; PMID:29493581)

Labcorp Genetics (formerly Invitae), Labcorp
Classification: Likely benign for RASopathy. Last evaluated: 2025-12-29. Review status: criteria provided, single submitter. Criteria: Invitae Variant Classification Sherloc (09022015). Collection method: clinical testing. Allele origin: germline. Not counted in ClinVar's aggregate classification.

KCCC/NGS Laboratory, Kuwait Cancer Control Center
Classification: Benign for Metachondromatosis. Last evaluated: 2025-02-01. Review status: criteria provided, single submitter. Criteria: ACMG Guidelines, 2015. Collection method: clinical testing. Allele origin: germline. Affected: no. Not counted in ClinVar's aggregate classification.

Blueprint Genetics
Classification: Likely benign. Last evaluated: 2024-03-05. Review status: criteria provided, single submitter. Criteria: ACMG Guidelines, 2015. Collection method: clinical testing. Allele origin: germline. Not counted in ClinVar's aggregate classification.

KCCC/NGS Laboratory, Kuwait Cancer Control Center
Classification: Benign for Juvenile myelomonocytic leukemia. Last evaluated: 2023-07-07. Review status: criteria provided, single submitter. Criteria: ACMG Guidelines, 2015. Collection method: clinical testing. Allele origin: germline. Affected: yes. Not counted in ClinVar's aggregate classification.

Women's Health and Genetics/Laboratory Corporation of America, LabCorp
Classification: Benign. Last evaluated: 2021-08-09. Review status: criteria provided, single submitter. Criteria: LabCorp Variant Classification Summary - May 2015. Collection method: clinical testing. Allele origin: germline. Not counted in ClinVar's aggregate classification.
Comment: Variant summary: PTPN11 c.1052G>A (p.Arg351Gln) results in a conservative amino acid change located in the PTP type protein phosphatase domain (IPR000242) of the encoded protein sequence. Three of five in-silico tools predict a benign effect of the variant on protein function. The variant allele was found at a frequency of 0.00043 in 251446 control chromosomes. The observed variant frequency is approximately 6.81 fold of the estimated maximal expected allele frequency for a pathogenic variant in PTPN11 causing Noonan Syndrome phenotype (6.3e-05), strongly suggesting that the variant is benign. To our knowledge, no occurrence of c.1052G>A in individuals affected with Noonan Syndrome and no experimental evidence demonstrating its impact on protein function have been reported. Two clinical diagnostic laboratories and an expert panel (ClinGen RASopathy Variant Curation Expert Panel) have submitted clinical-significance assessments for this variant to ClinVar after 2014 without evidence for independent evaluation (benign/likely benign, n=2; VUS, n=1). Based on the evidence outlined above, the variant was classified as benign.

Ambry Genetics
Classification: Benign for Cardiovascular phenotype. Last evaluated: 2019-06-19. Review status: criteria provided, single submitter. Criteria: Ambry Variant Classification Scheme 2023. Collection method: clinical testing. Allele origin: germline. Not counted in ClinVar's aggregate classification.

Eurofins Ntd Llc (ga)
Classification: Uncertain significance. Last evaluated: 2015-11-25. Review status: criteria provided, single submitter. Criteria: EGL Classification Definitions 2015. Collection method: clinical testing. Allele origin: germline. Observed: 2 variant alleles, 2 heterozygotes. Not counted in ClinVar's aggregate classification.

PreventionGenetics, part of Exact Sciences
Classification: Benign for PTPN11-related condition. Last evaluated: 2020-09-19. Review status: no assertion criteria provided. Collection method: clinical testing. Allele origin: germline. Not counted in ClinVar's aggregate classification.
Comment: This variant is classified as benign based on ACMG/AMP sequence variant interpretation guidelines (Richards et al. 2015 PMID: 25741868, with internal and published modifications).

Literature cited by the submitters: PubMed 15385933 (cited by Women's Health and Genetics/Laboratory Corporation of America, LabCorp); PubMed 14644997 (cited by Women's Health and Genetics/Laboratory Corporation of America, LabCorp); PubMed 19047918 (cited by Women's Health and Genetics/Laboratory Corporation of America, LabCorp); PubMed 19179468 (cited by Women's Health and Genetics/Laboratory Corporation of America, LabCorp); PubMed 17972951 (cited by Women's Health and Genetics/Laboratory Corporation of America, LabCorp); PubMed 15710330 (cited by Women's Health and Genetics/Laboratory Corporation of America, LabCorp); PubMed 25395418 (cited by Women's Health and Genetics/Laboratory Corporation of America, LabCorp); PubMed 27069254 (cited by Women's Health and Genetics/Laboratory Corporation of America, LabCorp).

NM_002834.5(PTPN11):c.1052G>A (p.Arg351Gln)

Gene: PTPN11 (protein tyrosine phosphatase non-receptor type 11; plus strand). Cytogenetic location: 12q24.13.
Variant type: single nucleotide variant.
Coding change: c.1052G>A on transcript NM_002834.5 (MANE Select); coding-DNA position 1052, G replaced by A.
Protein change: p.Arg351Gln; replaces arginine 351 with glutamine.
Molecular consequence: missense variant.
Genome position (GRCh38, 1-based): chr12:112,477,975, G>A. VCF-style: chr12-112477975-G-A. GRCh37 (hg19) VCF-style: chr12-112915779-G-A.
Other names: NM_002834.4(PTPN11):c.1052G>A; c.1052G>A, p.Arg351Gln (NM_001330437.2, NM_080601.3); c.1049G>A, p.Arg350Gln (NM_001374625.1); short protein forms R351Q, R350Q.
Identifiers: ClinVar variation 40541 (VCV000040541.24), dbSNP rs397507534, ClinGen allele CA282114.